The following is an entry in ClinVar:

ClinVar aggregate classification (germline): Uncertain significance (1 of 4 stars; one submission).

Conditions:
Bethlem myopathy 2 (BTHLM2). Identifiers: Orphanet 536516, Orphanet 610, MedGen C4225313, MONDO:0034022, OMIM 616471.
Ullrich congenital muscular dystrophy 2 (UCMD2). Identifiers: Orphanet 75840, MedGen C4225314, MONDO:0014654, OMIM 616470.

gnomAD v4.1: 4 of 1,613,908 alleles (0.00025%); highest among the groups gnomAD compares: Non-Finnish European, 0.00034%; no homozygotes.

Submission:

Labcorp Genetics (formerly Invitae), Labcorp
Classification: Uncertain significance for Bethlem myopathy 2; Ullrich congenital muscular dystrophy 2. Last evaluated: 2025-11-10. Review status: criteria provided, single submitter. Criteria: Invitae Variant Classification Sherloc (09022015). Collection method: clinical testing. Allele origin: germline.
Comment: This sequence change replaces threonine, which is neutral and polar, with isoleucine, which is neutral and non-polar, at codon 684 of the COL12A1 protein (p.Thr684Ile). This variant is not present in population databases (gnomAD no frequency). This variant has not been reported in the literature in individuals affected with COL12A1-related conditions. Invitae Evidence Modeling of protein sequence and biophysical properties (such as structural, functional, and spatial information, amino acid conservation, physicochemical variation, residue mobility, and thermodynamic stability) indicates that this missense variant is not expected to disrupt COL12A1 protein function with a negative predictive value of 80%. In summary, the available evidence is currently insufficient to determine the role of this variant in disease. Therefore, it has been classified as a Variant of Uncertain Significance.

NM_004370.6(COL12A1):c.2051C>T (p.Thr684Ile)

Gene: COL12A1 (collagen type XII alpha 1 chain; minus strand). Cytogenetic location: 6q13.
Variant type: single nucleotide variant.
Coding change: c.2051C>T on transcript NM_004370.6 (MANE Select); coding-DNA position 2051, C replaced by T.
Protein change: p.Thr684Ile; replaces threonine 684 with isoleucine.
Molecular consequence: missense variant. On other transcripts: intron variant (2).
Genome position (GRCh38, 1-based): chr6:75,181,052, G>A on the plus strand (C>T on the coding strand, the complement: COL12A1 is on the minus strand). VCF-style: chr6-75181052-G-A. GRCh37 (hg19) VCF-style: chr6-75890768-G-A.
Other names: c.2051C>T, p.Thr684Ile (NM_001424113.1, NM_001424114.1, NM_001424115.1); c.73+21668C>T (NM_001424116.1, NM_080645.3); short protein forms T684I.
Identifiers: ClinVar variation 4792238 (VCV004792238.1).